The following is an entry in ClinVar:

NM_000321.3(RB1):c.1675G>C (p.Glu559Gln)

Gene: RB1 (RB transcriptional corepressor 1; plus strand). Cytogenetic location: 13q14.2.
Variant type: single nucleotide variant.
Coding change: c.1675G>C on transcript NM_000321.3 (MANE Select); coding-DNA position 1675, G replaced by C.
Protein change: p.Glu559Gln; replaces glutamic acid 559 with glutamine.
Molecular consequence: missense variant.
Genome position (GRCh38, 1-based): chr13:48,381,423, G>C. VCF-style: chr13-48381423-G-C. GRCh37 (hg19) VCF-style: chr13-48955559-G-C.
Other names: short protein forms E559Q.
Identifiers: ClinVar variation 428688 (VCV000428688.6), dbSNP rs1131690869, ClinGen allele CA388164029.

ClinVar aggregate classification (germline): Uncertain significance (1 of 4 stars; one submission).

Conditions:
Hereditary cancer-predisposing syndrome. Also called: Neoplastic Syndromes, Hereditary; Hereditary neoplastic syndrome; Hereditary Cancer Syndrome; Tumor predisposition. Identifiers: Orphanet 140162, MedGen C0027672, MeSH D009386, MONDO:0015356.

Submission:

Ambry Genetics
Classification: Uncertain significance for Hereditary cancer-predisposing syndrome. Last evaluated: 2026-07-06. Review status: criteria provided, single submitter. Criteria: Ambry Variant Classification Scheme 2023. Collection method: clinical testing. Allele origin: germline.
Comment: The p.E559Q variant (also known as c.1675G>C), located in coding exon 17 of the RB1 gene, results from a G to C substitution at nucleotide position 1675. The glutamic acid at codon 559 is replaced by glutamine, an amino acid with highly similar properties. This amino acid position is highly conserved in available vertebrate species. In addition, this alteration is predicted to be deleterious by in silico analysis. Based on the available evidence, the clinical significance of this variant remains unclear.